The following is an entry in ClinVar:

NM_000443.4(ABCB4):c.1055C>T (p.Pro352Leu)

Gene: ABCB4 (ATP binding cassette subfamily B member 4; minus strand). Cytogenetic location: 7q21.12.
Variant type: single nucleotide variant.
Coding change: c.1055C>T on transcript NM_000443.4 (MANE Select); coding-DNA position 1055, C replaced by T.
Protein change: p.Pro352Leu; replaces proline 352 with leucine.
Molecular consequence: missense variant.
Genome position (GRCh38, 1-based): chr7:87,444,926, G>A on the plus strand (C>T on the coding strand, the complement: ABCB4 is on the minus strand). VCF-style: chr7-87444926-G-A. GRCh37 (hg19) VCF-style: chr7-87074242-G-A.
Other names: c.1055C>T, p.Pro352Leu (NM_018849.3, NM_018850.3); short protein forms P352L.
Identifiers: ClinVar variation 910926 (VCV000910926.11), dbSNP rs199662246, ClinGen allele CA4327395.
Genomic context (GRCh38, chr7:87,444,926, plus strand): 5'-TCAATAATATCAAAGATCACATATGCTGCTCCTCTTGCATTGGCAAAAGCATCAATACAT[G>A]GGGCAGCCTGGCCAACACTGAAAGCTCCAATTAGGATTGAAAAAAAAACCTGAGCAAAAT-3'
Protein context (NP_000434.1, residues 342-362): IGAFSVGQAA[Pro352Leu]CIDAFANARG

ClinVar aggregate classification (germline): Uncertain significance. Review status: criteria provided, multiple submitters, no conflicts (2 of 4 stars). 6 submissions from 5 submitters: Uncertain significance (6). Last evaluated 2026-04-14.

Conditions:
Cholestasis, intrahepatic, of pregnancy, 3. Identifiers: Orphanet 69665, MedGen C3554241, MONDO:0013995, OMIM 614972.
Progressive familial intrahepatic cholestasis type 3. Also called: MDR3 DEFICIENCY; Low Gamma-GT Familial Intrahepatic Cholestasis. Identifiers: Orphanet 79305, MedGen C1865643, MONDO:0011214, OMIM 602347.
Low phospholipid associated cholelithiasis (GBD1). Also called: Gallstone cholecystitis; Gallbladder disease 1. Identifiers: Orphanet 69663, MedGen C2609268, MONDO:0010939, OMIM 600803.
Familial intrahepatic cholestasis. Identifiers: Orphanet 284385, MedGen CN296401, MONDO:0017290.
ABCB4-related disorder. Also called: ABCB4-related disorders; ABCB4-related condition.

Allele frequency attached by ClinVar (database versions not stated): gnomAD exomes 0.00009 and 0.00015; TOPMed 0.00006; ExAC 0.00017; gnomAD 0.00017 and 0.00018.
gnomAD v4.1: 162 of 1,607,380 alleles (0.01%); highest among the groups gnomAD compares: Non-Finnish European, 0.0051%; 1 homozygote.

Submissions (6):

Genomenon, Inc
Classification: Uncertain significance for Familial intrahepatic cholestasis; Low phospholipid associated cholelithiasis. Last evaluated: 2026-04-14. Review status: criteria provided, single submitter. Criteria: Genomenon Sequence Variant Interpretation Standards - Updated. Collection method: curation. Allele origin: germline. Affected: no.
Comment: ABCB4 p.Pro352Leu (c.1055C>T) is a missense variant that changes the amino acid at residue 352 from Proline to Leucine. To our knowledge, this variant has not been reported in patients affected with an ABCB4-related disorder in the published literature. At least one functional study has demonstrated a substantial alteration in protein function relative to the wild-type (PMID:26153658). In silico models predict that this variant is possibly or probably damaging. In conclusion, we classify ABCB4 p.Pro352Leu (c.1055C>T) as a variant of uncertain significance.

PreventionGenetics, part of Exact Sciences
Classification: Uncertain significance for ABCB4-related condition. Last evaluated: 2025-09-18. Review status: criteria provided, single submitter. Criteria: ACMG Guidelines, 2015. Collection method: clinical testing. Allele origin: germline.
Comment: The ABCB4 c.1055C>T variant is predicted to result in the amino acid substitution p.Pro352Leu. This variant was reported in the heterozygous state in a child from a chronic liver dysfunction cohort and functional analysis showed that it was non-functional in a phospholipid efflux assay (Gordo-Gilart et al. 2016. PubMed ID: 26153658). This variant is reported in 0.13% of alleles in individuals of European (Finnish) descent in gnomAD. This variant has been classified as uncertain by multiple submitters in ClinVar (ID: 910926). At this time, the clinical significance of this variant is uncertain due to the absence of conclusive functional and genetic evidence.

Labcorp Genetics (formerly Invitae), Labcorp
Classification: Uncertain significance. Last evaluated: 2024-05-23. Review status: criteria provided, single submitter. Criteria: Invitae Variant Classification Sherloc (09022015). Collection method: clinical testing. Allele origin: germline.
Comment: This sequence change replaces proline, which is neutral and non-polar, with leucine, which is neutral and non-polar, at codon 352 of the ABCB4 protein (p.Pro352Leu). This variant is present in population databases (rs199662246, gnomAD 0.1%). This missense change has been observed in individual(s) with clinical features of ABCB4-related conditions (PMID: 26153658). ClinVar contains an entry for this variant (Variation ID: 910926). Advanced modeling of protein sequence and biophysical properties (such as structural, functional, and spatial information, amino acid conservation, physicochemical variation, residue mobility, and thermodynamic stability) has been performed at Invitae for this missense variant, however the output from this modeling did not meet the statistical confidence thresholds required to predict the impact of this variant on ABCB4 protein function. Studies have shown that this missense change alters ABCB4 gene expression (PMID: 26153658). In summary, the available evidence is currently insufficient to determine the role of this variant in disease. Therefore, it has been classified as a Variant of Uncertain Significance.

Women's Health and Genetics/Laboratory Corporation of America, LabCorp
Classification: Uncertain significance. Last evaluated: 2021-07-22. Review status: criteria provided, single submitter. Criteria: LabCorp Variant Classification Summary - May 2015. Collection method: clinical testing. Allele origin: germline.
Comment: Variant summary: ABCB4 c.1055C>T (p.Pro352Leu) results in a non-conservative amino acid change in the encoded protein sequence. Four of five in-silico tools predict a damaging effect of the variant on protein function. The variant allele was found at a frequency of 0.00015 in 244890 control chromosomes. This frequency is not significantly higher than expected for a pathogenic variant in ABCB4 causing Familial Intrahepatic Cholestasis (0.00015 vs 0.0022), allowing no conclusion about variant significance. c.1055C>T has been reported in the literature in an individual affected with biliary atresia/chronic liver dysfunction who only carried one detected pathogenic ABCB4 allele (Godro-Gilart_2016). Site-directed mutagenesis experiments showed the variant to have an apical localization similar to that of the wild-type protein but to have reduced expression (about 30% of wild-type), and non-detectable phospatidylcholine efflux activity (Gordo-Gilart_2016). One clinical diagnostic laboratory has submitted clinical-significance assessments for this variant to ClinVar after 2014 without evidence for independent evaluation and classified the variant as uncertain significance. Based on the evidence outlined above, the variant was classified as VUS - possibly pathogenic.

Illumina Laboratory Services, Illumina
Classification: Uncertain significance for Cholestasis, intrahepatic, of pregnancy, 3. Last evaluated: 2018-06-19. Review status: criteria provided, single submitter. Criteria: ICSL Variant Classification Criteria 13 December 2019. Collection method: clinical testing. Allele origin: germline.
Comment: This variant was observed as part of a predisposition screen in an ostensibly healthy population. A literature search was performed for the gene, cDNA change, and amino acid change (where applicable). Publications were found based on this search. However, the evidence from the literature, in combination with allele frequency data from public databases where available, was not sufficient to rule this variant in or out of causing disease. Therefore, this variant is classified as a variant of unknown significance.

Illumina Laboratory Services, Illumina
Classification: Uncertain significance for Progressive familial intrahepatic cholestasis type 3. Last evaluated: 2018-06-19. Review status: criteria provided, single submitter. Criteria: ICSL Variant Classification Criteria 13 December 2019. Collection method: clinical testing. Allele origin: germline.
Comment: the same text as in the submission from Illumina Laboratory Services, Illumina above.

Literature cited by the submitters: PubMed 26153658 (cited by 4 submitters).